The following is an entry in ClinVar:

ClinVar aggregate classification (germline): Uncertain significance. Review status: criteria provided, multiple submitters, no conflicts (2 of 4 stars). 2 submissions from 2 submitters: Uncertain significance (2). Last evaluated 2025-02-12.

Conditions:
Cardiomyopathy (CMYO). Also called: Cardiomyopathies. Identifiers: Orphanet 167848, MedGen C0878544, MONDO:0004994, HP:0001638. Inheritance: Various modes of inheritance.
Hypertrophic cardiomyopathy. Also called: HYPERTROPHIC MYOCARDIOPATHY. Identifiers: Orphanet 217569, MedGen C0007194, MeSH D002312, MONDO:0005045, HP:0001639.

Submissions (2):

Labcorp Genetics (formerly Invitae), Labcorp
Classification: Uncertain significance for Hypertrophic cardiomyopathy. Last evaluated: 2025-02-12. Review status: criteria provided, single submitter. Criteria: Invitae Variant Classification Sherloc (09022015). Collection method: clinical testing. Allele origin: germline.
Comment: This sequence change creates a premature translational stop signal (p.Glu846Argfs*6) in the MYH7 gene. It is expected to result in an absent or disrupted protein product. However, the current clinical and genetic evidence is not sufficient to establish whether loss-of-function variants in MYH7 cause disease. This variant is not present in population databases (gnomAD no frequency). This variant has not been reported in the literature in individuals affected with MYH7-related conditions. ClinVar contains an entry for this variant (Variation ID: 2058893). In summary, the available evidence is currently insufficient to determine the role of this variant in disease. Therefore, it has been classified as a Variant of Uncertain Significance.

All of Us Research Program, National Institutes of Health
Classification: Uncertain significance for Cardiomyopathy. Last evaluated: 2023-05-04. Review status: criteria provided, single submitter. Criteria: ACMG Guidelines, 2015. Collection method: clinical testing. Allele origin: germline. Inheritance: Autosomal dominant inheritance. Observed: 1 variant allele, 1 heterozygote.
Comment: This variant deletes 4 nucleotides in exon 22 of the MYH7 gene, creating a frameshift and premature translation stop signal. This variant is expected to result in an absent or non-functional protein product. To our knowledge, this variant has not been reported in individuals affected with MYH7-related disorders in the literature. Clinical relevance of loss-of-function MYH7 truncation variants in autosomal dominant cardiovascular disorders is not clearly established. This variant has not been identified in the general population by the Genome Aggregation Database (gnomAD). The available evidence is insufficient to determine the role of this variant in disease conclusively. Therefore, this variant is classified as a Variant of Uncertain Significance.

This study involves interpretation of variants in research participants for the purpose of population health screening. Participant phenotype was not available at the time of variant classification. Additional details can be found in publication PMID: 35346344, PMCID: PMC8962531

NM_000257.4(MYH7):c.2532_2535del (p.Glu846fs)

Genes: MYH7 (myosin heavy chain 7; minus strand), LOC126861898 (BRD4-independent group 4 enhancer GRCh37_chr14:23893609-23894808; plus strand). Cytogenetic location: 14q11.2.
Variant type: Deletion.
Coding change: c.2532_2535del on transcript NM_000257.4 (MANE Select); coding-DNA positions 2532 to 2535, 4 bases deleted (AAGA; older notation c.2532_2535delAAGA).
Protein change: p.Glu846fs; shifts the reading frame from glutamic acid 846.
Molecular consequence: frameshift variant.
Genome position (GRCh38, 1-based): chr14:23,424,913-23,424,916, TCTT deleted on the plus strand (AAGA on the coding strand, the reverse complement: MYH7 is on the minus strand); deleting any 4 consecutive bases within chr14:23,424,913-23,424,919 gives the same sequence; the c. name uses the placement nearest the transcript's 3' end. VCF-style (leftmost placement, unchanged base first): chr14-23424912-CTCTT-C. GRCh37 (hg19) VCF-style: chr14-23894121-CTCTT-C.
Other names: c.2529_2532delAGAA, p.Glu846Argfs (NM_001407004.1); short protein forms E846fs.
Identifiers: ClinVar variation 2058893 (VCV002058893.4), dbSNP rs2502283835, ClinGen allele CA2580087917.
Genomic context (GRCh38, chr14:23,424,912, plus strand): 5'-ACTTCTCTAGCGCCTCTTTGAGGCGTGTGAACTCCTCCTTCATGGAGGCCATCTCCTTCT[CTCTT>C]TCTGCACTCTTCAGCAGCGGCTTGATCTTGAAGTAGAGCTTCATCCAGGGCCAATTCTTG-3'